The following is an entry in ClinVar:

NM_130384.3(ATRIP):c.672-3C>A

Genes: ATRIP (ATR interacting protein; plus strand), ATRIP-TREX1 (ATRIP-TREX1 readthrough; plus strand). Cytogenetic location: 3p21.31.
Variant type: single nucleotide variant.
Coding change: c.672-3C>A on transcript NM_130384.3 (MANE Select); 3 bases into the intron before coding-DNA position 672, C replaced by A.
Molecular consequence: intron variant.
Genome position (GRCh38, 1-based): chr3:48,457,256, C>A. VCF-style: chr3-48457256-C-A. GRCh37 (hg19) VCF-style: chr3-48498656-C-A.
Other names: c.672-3C>A (NM_032166.4); c.291-3C>A (NM_001271022.2); c.393-3C>A (NM_001271023.2).
Identifiers: ClinVar variation 3975500 (VCV003975500.1).
Genomic context (GRCh38, chr3:48,457,256, plus strand): 5'-ACCAGATATTTTGAATGGTTTTAGTAGAATCATTACTTTGCTTTCATAGTTAACTTTTTC[C>A]AGTCCTAGGAAAAACCCTTCTGTGGTTATAAAGCCAGAAGCATGTTCTCCACAATTTGGA-3'

ClinVar aggregate classification (germline): Uncertain significance (1 of 4 stars; one submission).

gnomAD v4.1: 12 of 1,539,852 alleles (0.00078%); highest among the groups gnomAD compares: Non-Finnish European, 0.001%; no homozygotes.

Submission:

Ambry Genetics
Classification: Uncertain significance. Last evaluated: 2025-06-12. Review status: criteria provided, single submitter. Criteria: Ambry Variant Classification Scheme 2023. Collection method: clinical testing. Allele origin: germline.
Comment: The c.672-3C>A intronic variant results from a C to A substitution 3 nucleotides upstream from coding exon 5 in the ATRIP gene. This nucleotide position is not well conserved in available vertebrate species. In silico splice site analysis predicts that this alteration may weaken the native splice acceptor site. The evidence for this gene-disease relationship is limited; therefore, the clinical significance of this alteration is unclear.